The following is an entry in ClinVar:

NC_000004.11:g.(?_5699300)_(5758109_?)del

Genes: EVC (EvC ciliary complex subunit 1; plus strand), EVC2 (EvC ciliary complex subunit 2; minus strand). Cytogenetic location: 4p16.2.
Variant type: Deletion.
Identifiers: ClinVar variation 3246624 (VCV003246624.1).

ClinVar aggregate classification (germline): Pathogenic (1 of 4 stars; one submission).

Conditions:
Ellis-van Creveld syndrome (EVC). Also called: MESOECTODERMAL DYSPLASIA; Chondroectodermal dysplasia; EVC-Related Ellis-van Creveld Syndrome; EVC2-Related Ellis-van Creveld Syndrome. Identifiers: Orphanet 289, MedGen C0013903, MONDO:0009162, OMIM 225500.
Curry-Hall syndrome (WAD). Also called: WEYERS ACRODENTAL DYSOSTOSIS. Identifiers: Orphanet 952, MedGen C0457013, MONDO:0008673, OMIM 193530.

Submission:

Labcorp Genetics (formerly Invitae), Labcorp
Classification: Pathogenic for Curry-Hall syndrome; Ellis-van Creveld syndrome. Last evaluated: 2023-05-12. Review status: criteria provided, single submitter. Criteria: Invitae Variant Classification Sherloc (09022015). Collection method: clinical testing. Allele origin: unknown.
Comment: This variant has not been reported in the literature in individuals affected with EVC2-related conditions. For these reasons, this variant has been classified as Pathogenic. This variant is a gross deletion of the genomic region encompassing exon(s) 1-2 of the EVC2 gene, which includes the initiator codon. This deletion extends beyond the assayed region for this gene and therefore may encompass additional genes. It is expected to result in an absent or disrupted protein product. Loss-of-function variants in EVC2 are known to be pathogenic (PMID: 17024374, 19810119, 19876929).

Literature cited by the submitters: PubMed 17024374; PubMed 19810119; PubMed 19876929.